The following is an entry in ClinVar:

ClinVar aggregate classification (germline): Pathogenic (1 of 4 stars; one submission).

Submission:

Labcorp Genetics (formerly Invitae), Labcorp
Classification: Pathogenic. Last evaluated: 2020-02-10. Review status: criteria provided, single submitter. Criteria: Invitae Variant Classification Sherloc (09022015). Collection method: clinical testing. Allele origin: germline.
Comment: For these reasons, this variant has been classified as Pathogenic. Loss-of-function variants in CEP250 are known to be pathogenic (PMID: 24780881, 29718797). This sequence change creates a premature translational stop signal (p.Gln795*) in the CEP250 gene. It is expected to result in an absent or disrupted protein product. This variant has not been reported in the literature in individuals with CEP250-related conditions. This variant is not present in population databases (ExAC no frequency).

Literature cited by the submitters: PubMed 24780881; PubMed 29718797.

NM_007186.6(CEP250):c.2383C>T (p.Gln795Ter)

Genes: CEP250 (centrosomal protein 250; plus strand), CEP250-AS1 (CEP250 antisense RNA 1; minus strand). Cytogenetic location: 20q11.22.
Variant type: single nucleotide variant.
Coding change: c.2383C>T on transcript NM_007186.6 (MANE Select); coding-DNA position 2383, C replaced by T.
Protein change: p.Gln795Ter; replaces glutamine 795 with a stop codon.
Molecular consequence: nonsense.
Genome position (GRCh38, 1-based): chr20:35,479,740, C>T. VCF-style: chr20-35479740-C-T. GRCh37 (hg19) VCF-style: chr20-34067565-C-T.
Other names: c.487C>T, p.Gln163Ter (NM_001318219.1); short protein forms Q163*, Q795*.
Identifiers: ClinVar variation 1068511 (VCV001068511.8), dbSNP rs2063287444, ClinGen allele CA408769531.